The following is an entry in ClinVar:

ClinVar aggregate classification (germline): Uncertain significance (1 of 4 stars; one submission).

Submission:

Labcorp Genetics (formerly Invitae), Labcorp
Classification: Uncertain significance. Last evaluated: 2022-08-22. Review status: criteria provided, single submitter. Criteria: Invitae Variant Classification Sherloc (09022015). Collection method: clinical testing. Allele origin: germline.
Comment: In summary, the available evidence is currently insufficient to determine the role of this variant in disease. Therefore, it has been classified as a Variant of Uncertain Significance. Algorithms developed to predict the effect of missense changes on protein structure and function are either unavailable or do not agree on the potential impact of this missense change (SIFT: "Deleterious"; PolyPhen-2: "Probably Damaging"; Align-GVGD: "Class C0"). This variant has not been reported in the literature in individuals affected with GNAS-related conditions. This variant is not present in population databases (gnomAD no frequency). This sequence change replaces valine, which is neutral and non-polar, with glycine, which is neutral and non-polar, at codon 367 of the GNAS protein (p.Val367Gly).

NM_000516.7(GNAS):c.1100T>G (p.Val367Gly)

Gene: GNAS (GNAS complex locus; plus strand). Cytogenetic location: 20q13.32.
Variant type: single nucleotide variant.
Coding change: c.1100T>G on transcript NM_000516.7 (MANE Select); coding-DNA position 1100, T replaced by G.
Protein change: p.Val367Gly; replaces valine 367 with glycine.
Molecular consequence: missense variant. On other transcripts: 3 prime UTR variant (2).
Genome position (GRCh38, 1-based): chr20:58,910,744, T>G. VCF-style: chr20-58910744-T-G. GRCh37 (hg19) VCF-style: chr20-57485799-T-G.
Other names: c.1103T>G, p.Val368Gly (NM_001077488.5); c.1055T>G, p.Val352Gly (NM_001077489.4); c.*961T>G (NM_001077490.3); c.923T>G, p.Val308Gly (NM_001309840.2, NM_001309861.2); c.1004T>G, p.Val335Gly (NM_001410912.1); c.2984T>G, p.Val995Gly (NM_001410913.1); c.*1006T>G (NM_016592.5); c.3029T>G, p.Val1010Gly (NM_080425.4); and 1 more; short protein forms V1010G, V308G, V335G, V352G, V353G, V367G, V368G, V995G.
Identifiers: ClinVar variation 1717638 (VCV001717638.5), dbSNP rs2517295905, ClinGen allele CA409453821.